The following is an entry in ClinVar:

NM_000628.5(IL10RB):c.*314G>A

Genes: IL10RB (interleukin 10 receptor subunit beta; plus strand), IFNAR2-IL10RB (IFNAR2-IL10RB readthrough; plus strand). Cytogenetic location: 21q22.11.
Variant type: single nucleotide variant.
Coding change: c.*314G>A on transcript NM_000628.5 (MANE Select); 314 bases downstream of the stop codon, G replaced by A.
Molecular consequence: 3 prime UTR variant.
Genome position (GRCh38, 1-based): chr21:33,296,671, G>A. VCF-style: chr21-33296671-G-A. GRCh37 (hg19) VCF-style: chr21-34668976-G-A.
Identifiers: ClinVar variation 339700 (VCV000339700.6), dbSNP rs8178562, ClinGen allele CA10653496.

ClinVar aggregate classification (germline): Benign. Review status: criteria provided, multiple submitters, no conflicts (2 of 4 stars). 2 submissions from 2 submitters: Benign (2). Last evaluated 2018-01-13.

Conditions:
Inflammatory bowel disease 25. Also called: Inflammatory bowel disease 25, early onset, autosomal recessive. Identifiers: Orphanet 238569, MedGen C2675508, MONDO:0012941, OMIM 612567.

Allele frequency attached by ClinVar (database versions not stated): TOPMed 0.14526; gnomAD 0.14945 and 0.15566; 1000 Genomes Project 30x 0.18738; 1000 Genomes Project 0.19209; gnomAD exomes 0.20601.
gnomAD v4.1: 85,976 of 455,400 alleles (19%); highest among the groups gnomAD compares: East Asian, 38%; 9,468 homozygotes.

Submissions (2):

Illumina Laboratory Services, Illumina
Classification: Benign for Inflammatory bowel disease 25. Last evaluated: 2018-01-13. Review status: criteria provided, single submitter. Criteria: ICSL Variant Classification Criteria 13 December 2019. Collection method: clinical testing. Allele origin: germline.
Comment: This variant was observed in the ICSL laboratory as part of a predisposition screen in an ostensibly healthy population. It had not been previously curated by ICSL or reported in the Human Gene Mutation Database (HGMD: prior to June 1st, 2018), and was therefore a candidate for classification through an automated scoring system. Utilizing variant allele frequency, disease prevalence and penetrance estimates, and inheritance mode, an automated score was calculated to assess if this variant is too frequent to cause the disease. Based on the score and internal cut-off values, a variant classified as benign is not then subjected to further curation. The score for this variant resulted in a classification of benign for this disease.

Breakthrough Genomics
Classification: Benign. Review status: criteria provided, single submitter. Criteria: ACMG Guidelines, 2015. Collection method: not provided. Allele origin: germline. Inheritance: Autosomal recessive inheritance. Affected: yes.